The following is an entry in ClinVar:

NM_001127222.2(CACNA1A):c.6862del (p.Gln2288fs)

Gene: CACNA1A (calcium voltage-gated channel subunit alpha1 A; minus strand). Cytogenetic location: 19p13.13.
Variant type: Deletion.
Coding change: c.6862del on transcript NM_001127222.2 (MANE Select); coding-DNA position 6862, one base deleted (C; older notation c.6862delC).
Protein change: p.Gln2288fs; shifts the reading frame from glutamine 2288.
Molecular consequence: frameshift variant. On other transcripts: 3 prime UTR variant (3).
Genome position (GRCh38, 1-based): chr19:13,207,972, G deleted on the plus strand (C on the coding strand, the reverse complement: CACNA1A is on the minus strand); the first of 5 consecutive G bases (chr19:13,207,972-13,207,976); deleting any one gives the same sequence. VCF-style (leftmost placement, unchanged base first): chr19-13207971-TG-T. GRCh37 (hg19) VCF-style: chr19-13318785-TG-T.
Other names: c.*74del (NM_000068.4, NM_001127221.2, NM_001174080.2); c.6880del, p.Gln2294fs (NM_023035.3); short protein forms Q2288fs, Q2294fs.
Identifiers: ClinVar variation 1699277 (VCV001699277.3), dbSNP rs2144493067, ClinGen allele CA2573130296.

ClinVar aggregate classification (germline): Uncertain significance (1 of 4 stars; one submission).

Conditions:
Developmental and epileptic encephalopathy, 42 (DEE42A). Also called: DEVELOPMENTAL AND EPILEPTIC ENCEPHALOPATHY 42A; EPILEPTIC ENCEPHALOPATHY, EARLY INFANTILE, 42A; Epileptic encephalopathy, early infantile, 42. Identifiers: MedGen C4310716, MONDO:0014917, OMIM 617106.

Submission:

Victorian Clinical Genetics Services, Murdoch Childrens Research Institute
Classification: Uncertain significance for Developmental and epileptic encephalopathy, 42. Last evaluated: 2022-06-24. Review status: criteria provided, single submitter. Criteria: ACMG Guidelines, 2015. Collection method: clinical testing. Allele origin: germline. Inheritance: Autosomal dominant inheritance.
Comment: Based on the classification scheme VCGS_Germline_v1.3.4, this variant is classified as VUS-3C. Following criteria are met: 0103 - Loss of function and gain of function are known mechanisms of disease in this gene and are associated with CACNA1A-related disease. Episodic ataxia, type 2 (MIM#108500) is caused by variants with a loss of function mechanism (PMID: 28566750). (I) 0107 - This gene is associated with autosomal dominant disease. (I) 0112 - The condition associated with this gene has incomplete penetrance. Reduced penetrance has been reported for patients with episodic ataxia, type 2 (OMIM). (I) 0115 - Variants in this gene are known to have variable expressivity. Two families with episodic ataxia, intellectual disability and/or epilepsy have been reported with intrafamilial variability (PMID: 32910250, PMID: 30142438). (I) 0205 - Variant is predicted to result in a truncated protein (premature termination codon is NOT located at least 54 nucleotides upstream of the final exon-exon junction) with less than 1/3 of the protein sequence affected. at least 54 nucleotides upstream of the final exon-exon junction). (SP) 0219 - This variant is non-coding in an alternative transcript. This variant is coding in the ClinVar predominant transcript (NM_001127222.1), however it is also noncoding in an additional three transcripts that show poor expression (GTex, NCBI). (I) 0251 - This variant is heterozygous. (I) 0301 - Variant is absent from gnomAD (both v2 and v3). (SP) 0600 - Variant affects the annotated C-terminal motif DXXC, which has been shown to be a binding site of Mint1 (PMID: 10455105). (I) 0703 - Other truncating variants comparable to the one identified in this case have moderate previous evidence for pathogenicity. These comparable variants (p.(Ser2501*), p.(Glu2417*)) have been reported as likely pathogenic, and observed in individuals with cerebral palsy, or hemiplagia migraine (ClinVar, PMID: 29486580, PMID: 34531397). An additional variant (p.(Val2440fs)) was described as a VUS with no additional information (ClinVar). (SP) 0807 - This variant has no previous evidence of pathogenicity. (I) 0905 - No published segregation evidence has been identified for this variant. (I) 1007 - No published functional evidence has been identified for this variant. (I) Legend: (SP) - Supporting pathogenic, (I) - Information, (SB) - Supporting benign

Literature cited by the submitters: PubMed 10455105; PubMed 25735478; PubMed 28566750; PubMed 29486580; PubMed 32910250; PubMed 34531397; PubMed 30142438.